The following is an entry in ClinVar:

NM_014332.3(SMPX):c.233G>A (p.Ser78Asn)

Gene: SMPX (small muscle protein X-linked; minus strand). Cytogenetic location: Xp22.12.
Variant type: single nucleotide variant.
Coding change: c.233G>A on transcript NM_014332.3 (MANE Select); coding-DNA position 233, G replaced by A.
Protein change: p.Ser78Asn; replaces serine 78 with asparagine.
Molecular consequence: missense variant. On other transcripts: non-coding transcript variant (1).
Genome position (GRCh38, 1-based): chrX:21,737,597, C>T on the plus strand (G>A on the coding strand, the complement: SMPX is on the minus strand). VCF-style: chrX-21737597-C-T. GRCh37 (hg19) VCF-style: chrX-21755715-C-T.
Other names: short protein forms S78N.
Identifiers: ClinVar variation 1451817 (VCV001451817.8), dbSNP rs2147387003, ClinGen allele CA412562245.
Genomic context (GRCh38, chrX:21,737,597, plus strand): 5'-TTTTTCACTCACCTTTTTTCTTCCTACTACTGTTCAGCTTTGGGGACATATTTTAGTTCA[C>T]TTTTAATATTCTGGATTTCCGATAGATTGACTGCAGGTCCTGGAAGTTTCTTCGCTCCTG-3'
Protein context (NP_055147.1, residues 68-88): VNLSEIQNIK[Ser78Asn]ELKYVPKAEQ

ClinVar aggregate classification (germline): Pathogenic/Likely pathogenic. Review status: criteria provided, multiple submitters, no conflicts (2 of 4 stars). 3 submissions from 3 submitters: Pathogenic (1); Likely pathogenic (1). 1 of the submissions does not count toward it. Last evaluated 2025-08-27.

Conditions:
Myopathy, distal, 7, adult-onset, X-linked (MPD7). Identifiers: Orphanet 700163, MedGen C5676880, MONDO:0024771, OMIM 301075.

Allele frequency attached by ClinVar (database versions not stated): gnomAD exomes below 0.00001.
gnomAD v4.1: 3 of 1,206,870 alleles (0.00025%); highest among the groups gnomAD compares: Non-Finnish European, 0.00034%; no homozygotes.

Submissions (3):

3billion
Classification: Likely pathogenic for Myopathy, distal, 7, adult-onset, X-linked. Last evaluated: 2025-08-27. Review status: criteria provided, single submitter. Criteria: ACMG Guidelines, 2015. Collection method: clinical testing. Allele origin: germline. Affected: yes.
Comment: The variant is observed at an extremely low frequency in the gnomAD v4.1.0 dataset (total allele frequency: <0.001%). Predicted Consequence/Location: Missense variant. The majority of the known disease-causing variants of this gene are variants expected to result in premature termination of the protein. Functional studies provide supporting evidence of the variant having a damaging effect on the gene or gene product (PMID: 33974137). The same nucleotide change resulting in the same amino acid change has been previously reported to be associated with SMPX-related disorder (ClinVar ID: VCV001451817 /PMID: 33974137).The variant has been observed in multiple (>3) similarly affected unrelated individuals (PMID: 33974137). Therefore, this variant is classified as Likely pathogenic according to the recommendation of ACMG/AMP guideline.

Labcorp Genetics (formerly Invitae), Labcorp
Classification: Pathogenic. Last evaluated: 2022-07-19. Review status: criteria provided, single submitter. Criteria: Invitae Variant Classification Sherloc (09022015). Collection method: clinical testing. Allele origin: germline.
Comment: This missense change has been observed in individuals with distal myopathy (PMID: 33974137). For these reasons, this variant has been classified as Pathogenic. Experimental studies have shown that this missense change affects SMPX function (PMID: 33974137). Algorithms developed to predict the effect of missense changes on protein structure and function (SIFT, PolyPhen-2, Align-GVGD) all suggest that this variant is likely to be disruptive. ClinVar contains an entry for this variant (Variation ID: 1451817). This variant is not present in population databases (gnomAD no frequency). This sequence change replaces serine, which is neutral and polar, with asparagine, which is neutral and polar, at codon 78 of the SMPX protein (p.Ser78Asn).

OMIM
Classification: Pathogenic for MYOPATHY, DISTAL, 7, ADULT-ONSET, X-LINKED. Last evaluated: 2022-04-13. Review status: no assertion criteria provided. Collection method: literature only. Allele origin: germline. Not counted in ClinVar's aggregate classification.

Literature cited by the submitters: PubMed 33974137 (cited by 3 submitters).